The following is an entry in ClinVar:

NM_005535.3(IL12RB1):c.1641C>T (p.Leu547=)

Gene: IL12RB1 (interleukin 12 receptor subunit beta 1; minus strand). Cytogenetic location: 19p13.11.
Variant type: single nucleotide variant.
Coding change: c.1641C>T on transcript NM_005535.3 (MANE Select); coding-DNA position 1641, C replaced by T.
Protein change: p.Leu547=; no amino-acid change (leucine 547 retained).
Molecular consequence: synonymous variant.
Genome position (GRCh38, 1-based): chr19:18,062,255, G>A on the plus strand (C>T on the coding strand, the complement: IL12RB1 is on the minus strand). VCF-style: chr19-18062255-G-A. GRCh37 (hg19) VCF-style: chr19-18173065-G-A.
Other names: c.1641C>T, p.Leu547= (NM_001290023.2); c.1761C>T, p.Leu587= (NM_001290024.2); c.1662C>T, p.Leu554= (NM_001440424.1, NM_001440425.1).
Identifiers: ClinVar variation 4752025 (VCV004752025.1).

ClinVar aggregate classification (germline): Uncertain significance (1 of 4 stars; one submission).

Conditions:
Mendelian susceptibility to mycobacterial diseases due to complete IL12RB1 deficiency. Also called: IL12RB1 DEFICIENCY; Immunodeficiency 30. Identifiers: Orphanet 319552, MedGen C4013949, MONDO:0013955, OMIM 614891.

Submission:

Labcorp Genetics (formerly Invitae), Labcorp
Classification: Uncertain significance for Mendelian susceptibility to mycobacterial diseases due to complete IL12RB1 deficiency. Last evaluated: 2025-03-12. Review status: criteria provided, single submitter. Criteria: Invitae Variant Classification Sherloc (09022015). Collection method: clinical testing. Allele origin: germline.
Comment: This sequence change affects codon 547 of the IL12RB1 mRNA. It is a 'silent' change, meaning that it does not change the encoded amino acid sequence of the IL12RB1 protein. This variant is present in population databases (no rsID available, gnomAD 0.0009%). This variant has not been reported in the literature in individuals affected with IL12RB1-related conditions. Algorithms developed to predict the effect of sequence changes on RNA splicing suggest that this variant may disrupt the consensus splice site. In summary, the available evidence is currently insufficient to determine the role of this variant in disease. Therefore, it has been classified as a Variant of Uncertain Significance.